The following is an entry in ClinVar:

NM_001184880.2(PCDH19):c.1321G>T (p.Val441Leu)

Gene: PCDH19 (protocadherin 19; minus strand). Cytogenetic location: Xq22.1.
Variant type: single nucleotide variant.
Coding change: c.1321G>T on transcript NM_001184880.2 (MANE Select); coding-DNA position 1321, G replaced by T.
Protein change: p.Val441Leu; replaces valine 441 with leucine.
Molecular consequence: missense variant.
Genome position (GRCh38, 1-based): chrX:100,407,277, C>A on the plus strand (G>T on the coding strand, the complement: PCDH19 is on the minus strand). VCF-style: chrX-100407277-C-A. GRCh37 (hg19) VCF-style: chrX-99662275-C-A.
Other names: c.1321G>T, p.Val441Leu (NM_001105243.2, NM_020766.3); short protein forms V441L.
Identifiers: ClinVar variation 2730459 (VCV002730459.3), dbSNP rs200126728, ClinGen allele CA414003042.

ClinVar aggregate classification (germline): Uncertain significance (1 of 4 stars; one submission).

Conditions:
Developmental and epileptic encephalopathy, 9 (DEE9). Also called: Early infantile epileptic encephalopathy 9; JUBERG-HELLMAN SYNDROME; PCDH19-Related X-Linked Female-Limited Epilepsy with Mental Retardation; EPILEPSY, FEMALE-RESTRICTED, WITH MENTAL RETARDATION. Identifiers: Orphanet 101039, Orphanet 2076, MedGen C1848137, MONDO:0010246, OMIM 300088. Disease mechanism: loss of function.

Submission:

Labcorp Genetics (formerly Invitae), Labcorp
Classification: Uncertain significance for Developmental and epileptic encephalopathy, 9. Last evaluated: 2023-06-27. Review status: criteria provided, single submitter. Criteria: Invitae Variant Classification Sherloc (09022015). Collection method: clinical testing. Allele origin: germline.
Comment: In summary, the available evidence is currently insufficient to determine the role of this variant in disease. Therefore, it has been classified as a Variant of Uncertain Significance. This variant disrupts the p.Val441 amino acid residue in PCDH19. Other variant(s) that disrupt this residue have been determined to be pathogenic (PMID: 18234694, 18469813). This suggests that this residue is clinically significant, and that variants that disrupt this residue are likely to be disease-causing. Experimental studies are conflicting or provide insufficient evidence to determine the effect of this variant on PCDH19 function (PMID: 34082468). Advanced modeling of protein sequence and biophysical properties (such as structural, functional, and spatial information, amino acid conservation, physicochemical variation, residue mobility, and thermodynamic stability) performed at Invitae indicates that this missense variant is expected to disrupt PCDH19 protein function. This variant has not been reported in the literature in individuals affected with PCDH19-related conditions. This variant is not present in population databases (gnomAD no frequency). This sequence change replaces valine, which is neutral and non-polar, with leucine, which is neutral and non-polar, at codon 441 of the PCDH19 protein (p.Val441Leu).

Literature cited by the submitters: PubMed 18234694; PubMed 18469813; PubMed 34082468.